The following is an entry in ClinVar:

Conditions:
Long QT syndrome 5 (LQT5). Identifiers: Orphanet 101016, Orphanet 768, MedGen C1867904, MONDO:0013372, OMIM 613695.

Submission:

Roden Lab, Vanderbilt University Medical Center
No classification provided (evidence only). Condition: Long QT syndrome 5. Review status: no classification provided. Collection method: in vitro. Allele origin: not applicable. Functional consequence: Effect on ion channel function.
ClinVar note: "not provided" was previously submitted as the classification for the variant. However, the classification appeared to be based only on an observation of functional data so it was converted to no classification on 2025-07-30.

NM_000219.6(KCNE1):c.96C>T (p.Arg32=)

Gene: KCNE1 (potassium voltage-gated channel subfamily E regulatory subunit 1; minus strand). Cytogenetic location: 21q22.12.
Variant type: single nucleotide variant.
Coding change: c.96C>T on transcript NM_000219.6 (MANE Select); coding-DNA position 96, C replaced by T.
Protein change: p.Arg32=; no amino-acid change (arginine 32 retained).
Molecular consequence: synonymous variant.
Genome position (GRCh38, 1-based): chr21:34,449,539, G>A on the plus strand (C>T on the coding strand, the complement: KCNE1 is on the minus strand). VCF-style: chr21-34449539-G-A. GRCh37 (hg19) VCF-style: chr21-35821837-G-A.
Other names: c.96C>T, p.Arg32= (NM_001127668.4, NM_001127669.4, NM_001127670.4 and 4 more transcripts).
Identifiers: ClinVar variation 3374038 (VCV003374038.2).